The following is an entry in ClinVar:

NM_031433.4(MFRP):c.332C>A (p.Thr111Asn)

Genes: C1QTNF5 (C1q and TNF related 5; minus strand), MFRP (membrane frizzled-related protein; minus strand). Cytogenetic location: 11q23.3.
Variant type: single nucleotide variant.
Coding change: c.332C>A on transcript NM_031433.4 (MANE Select); coding-DNA position 332, C replaced by A.
Protein change: p.Thr111Asn; replaces threonine 111 with asparagine.
Molecular consequence: missense variant. On other transcripts: 5 prime UTR variant (1).
Genome position (GRCh38, 1-based): chr11:119,345,868, G>T on the plus strand (C>A on the coding strand, the complement: MFRP is on the minus strand). VCF-style: chr11-119345868-G-T. GRCh37 (hg19) VCF-style: chr11-119216578-G-T.
Other names: c.-2305C>A (NM_015645.5); short protein forms T111N.
Identifiers: ClinVar variation 1909675 (VCV001909675.4), dbSNP rs2497093530, ClinGen allele CA382978958.

ClinVar aggregate classification (germline): Uncertain significance (1 of 4 stars; one submission).

Conditions:
Isolated microphthalmia 5. Also called: Posterior Microphthalmia with Retinitis Pigmentosa, Foveoschisis, and Optic Disc Drusen. Identifiers: Orphanet 251279, MedGen C1970236, MONDO:0012605, OMIM 611040.

Submission:

Labcorp Genetics (formerly Invitae), Labcorp
Classification: Uncertain significance for Isolated microphthalmia 5. Last evaluated: 2023-08-30. Review status: criteria provided, single submitter. Criteria: Invitae Variant Classification Sherloc (09022015). Collection method: clinical testing. Allele origin: germline.
Comment: Advanced modeling of protein sequence and biophysical properties (such as structural, functional, and spatial information, amino acid conservation, physicochemical variation, residue mobility, and thermodynamic stability) performed at Invitae indicates that this missense variant is not expected to disrupt MFRP protein function. ClinVar contains an entry for this variant (Variation ID: 1909675). This variant has not been reported in the literature in individuals affected with MFRP-related conditions. This variant is not present in population databases (gnomAD no frequency). This sequence change replaces threonine, which is neutral and polar, with asparagine, which is neutral and polar, at codon 111 of the MFRP protein (p.Thr111Asn). In summary, the available evidence is currently insufficient to determine the role of this variant in disease. Therefore, it has been classified as a Variant of Uncertain Significance.